The following is an entry in ClinVar:

NM_006302.3(MOGS):c.400A>T (p.Arg134Trp)

Gene: MOGS (mannosyl-oligosaccharide glucosidase; minus strand). Cytogenetic location: 2p13.1.
Variant type: single nucleotide variant.
Coding change: c.400A>T on transcript NM_006302.3 (MANE Select); coding-DNA position 400, A replaced by T.
Protein change: p.Arg134Trp; replaces arginine 134 with tryptophan.
Molecular consequence: missense variant.
Genome position (GRCh38, 1-based): chr2:74,464,675, T>A on the plus strand (A>T on the coding strand, the complement: MOGS is on the minus strand). VCF-style: chr2-74464675-T-A. GRCh37 (hg19) VCF-style: chr2-74691802-T-A.
Other names: c.82A>T, p.Arg28Trp (NM_001146158.2); short protein forms R134W, R28W.
Identifiers: ClinVar variation 1921552 (VCV001921552.2), dbSNP rs1672015747, ClinGen allele CA347381980.

ClinVar aggregate classification (germline): Uncertain significance (1 of 4 stars; one submission).

Conditions:
MOGS-congenital disorder of glycosylation. Also called: GLUCOSIDASE I DEFICIENCY; MOGS-CDG; CDG IIb; CDG 2B. Identifiers: Orphanet 79330, MedGen C1853736, MONDO:0011629, OMIM 606056.

Allele frequency attached by ClinVar (database versions not stated): TOPMed below 0.00001.

Submission:

Labcorp Genetics (formerly Invitae), Labcorp
Classification: Uncertain significance for MOGS-congenital disorder of glycosylation. Last evaluated: 2022-08-12. Review status: criteria provided, single submitter. Criteria: Invitae Variant Classification Sherloc (09022015). Collection method: clinical testing. Allele origin: germline.
Comment: This sequence change replaces arginine, which is basic and polar, with tryptophan, which is neutral and slightly polar, at codon 134 of the MOGS protein (p.Arg134Trp). This variant is not present in population databases (gnomAD no frequency). This variant has not been reported in the literature in individuals affected with MOGS-related conditions. Algorithms developed to predict the effect of missense changes on protein structure and function (SIFT, PolyPhen-2, Align-GVGD) all suggest that this variant is likely to be disruptive. In summary, the available evidence is currently insufficient to determine the role of this variant in disease. Therefore, it has been classified as a Variant of Uncertain Significance.